The following is an entry in ClinVar:

ClinVar aggregate classification (germline): Likely benign. Review status: criteria provided, multiple submitters, no conflicts (2 of 4 stars). 2 submissions from 2 submitters: Likely benign (2). Last evaluated 2025-03-15.

Conditions:
CREB3L3-related disorder. Also called: CREB3L3-related condition.

Submissions (2):

Labcorp Genetics (formerly Invitae), Labcorp
Classification: Likely benign. Last evaluated: 2025-03-15. Review status: criteria provided, single submitter. Criteria: Invitae Variant Classification Sherloc (09022015). Collection method: clinical testing. Allele origin: germline.

PreventionGenetics, part of Exact Sciences
Classification: Likely benign for CREB3L3-related condition. Last evaluated: 2025-01-02. Review status: criteria provided, single submitter. Criteria: ACMG Guidelines, 2015. Collection method: clinical testing. Allele origin: germline.
Comment: This variant is classified as likely benign based on ACMG/AMP sequence variant interpretation guidelines (Richards et al. 2015 PMID: 25741868, with internal and published modifications).

NM_032607.3(CREB3L3):c.546CCT[2] (p.Leu185del)

Gene: CREB3L3 (cAMP responsive element binding protein 3 like 3; plus strand). Cytogenetic location: 19p13.3.
Variant type: Microsatellite.
Coding change: c.546CCT[2] on transcript NM_032607.3 (MANE Select); two copies in a row of the 3-base unit CCT starting at c.546; the reference has three copies in a row; one copy, 3 bases deleted.
Protein change: p.Leu185del; deletes leucine 185.
Genome position (GRCh38, 1-based): chr19:4,159,758-4,159,760, CCT deleted; deleting any 3 consecutive bases within chr19:4,159,752-4,159,760 gives the same sequence; the position shown is the placement nearest the transcript's 3' end. VCF-style (leftmost placement, unchanged base first): chr19-4159751-ACCT-A. GRCh37 (hg19) VCF-style: chr19-4159748-ACCT-A.
Other names: c.543CCT[2], p.Leu184del (NM_001271995.2); c.546CCT[2], p.Leu185del (NM_001271996.2, NM_001271997.2); c.552_554delCCT (NM_032607.2); short protein forms L184del, L185del.
Identifiers: ClinVar variation 4811143 (VCV004811143.2).